The following is an entry in ClinVar:

NM_152617.4(RNF168):c.585G>A (p.Ser195=)

Gene: RNF168 (ring finger protein 168; minus strand). Cytogenetic location: 3q29.
Variant type: single nucleotide variant.
Coding change: c.585G>A on transcript NM_152617.4 (MANE Select); coding-DNA position 585, G replaced by A.
Protein change: p.Ser195=; no amino-acid change (serine 195 retained).
Molecular consequence: synonymous variant.
Genome position (GRCh38, 1-based): chr3:196,483,865, C>T on the plus strand (G>A on the coding strand, the complement: RNF168 is on the minus strand). VCF-style: chr3-196483865-C-T. GRCh37 (hg19) VCF-style: chr3-196210736-C-T.
Identifiers: ClinVar variation 2188613 (VCV002188613.2), dbSNP rs1192052570, ClinGen allele CA437795554.

ClinVar aggregate classification (germline): Uncertain significance (1 of 4 stars; one submission).

Allele frequency attached by ClinVar (database versions not stated): gnomAD 0.00001; gnomAD exomes 0.00001; TOPMed 0.00001.

Submission:

Labcorp Genetics (formerly Invitae), Labcorp
Classification: Uncertain significance. Last evaluated: 2022-06-20. Review status: criteria provided, single submitter. Criteria: Invitae Variant Classification Sherloc (09022015). Collection method: clinical testing. Allele origin: germline.
Comment: In summary, the available evidence is currently insufficient to determine the role of this variant in disease. Therefore, it has been classified as a Variant of Uncertain Significance. Algorithms developed to predict the effect of sequence changes on RNA splicing suggest that this variant may create or strengthen a splice site. This variant has not been reported in the literature in individuals affected with RNF168-related conditions. This variant is present in population databases (no rsID available, gnomAD 0.007%). This sequence change affects codon 195 of the RNF168 mRNA. It is a 'silent' change, meaning that it does not change the encoded amino acid sequence of the RNF168 protein.